The following is an entry in ClinVar:

ClinVar aggregate classification (germline): Uncertain significance (0 of 4 stars; one submission).

Submission:

Institute of Human Genetics, University of Goettingen
Classification: Uncertain significance. Last evaluated: 2017-07-05. Review status: no assertion criteria provided. Collection method: clinical testing. Allele origin: unknown. Affected: yes. Observed: 1 variant allele.
Comment: Gene deletion of KDM4B was described in one patient with developmental delay and mild facial dysmorphism (Wan et al., Sci Rep 2016, DOI: 10.1038/srep25954) and de novo loss of function variants are associated with autism (De Rubeis et al., Nature 2014, DOI: 10.1038/nature13772).

GRCh37/hg19 19p13.3(chr19:4981959-5129575)x1

Gene: KDM4B (lysine demethylase 4B; plus strand). Cytogenetic location: 19p13.3.
Variant type: copy number loss.
Change: copy number 1 (one copy instead of two) of chr19:4,981,959-5,129,575 (147.6 kb, GRCh37 coordinates, 1-based), cytogenetic band 19p13.3.
Identifiers: ClinVar variation 446434 (VCV000446434.3).